The following is an entry in ClinVar:

NM_001018115.3(FANCD2):c.3197T>C (p.Leu1066Pro)

Genes: FANCD2 (FA complementation group D2; plus strand), FANCD2OS (FANCD2 opposite strand; minus strand). Cytogenetic location: 3p25.3.
Variant type: single nucleotide variant.
Coding change: c.3197T>C on transcript NM_001018115.3 (MANE Select); coding-DNA position 3197, T replaced by C.
Protein change: p.Leu1066Pro; replaces leucine 1066 with proline.
Molecular consequence: missense variant. On other transcripts: 3 prime UTR variant (1).
Genome position (GRCh38, 1-based): chr3:10,081,437, T>C. VCF-style: chr3-10081437-T-C. GRCh37 (hg19) VCF-style: chr3-10123121-T-C.
Other names: c.3086T>C, p.Leu1029Pro (NM_001374253.1); c.3197T>C, p.Leu1066Pro (NM_001374254.1, NM_033084.6, NM_001319984.2); c.*138A>G (NM_173472.2); short protein forms L1029P, L1066P.
Identifiers: ClinVar variation 2717885 (VCV002717885.3), dbSNP rs1330230664, ClinGen allele CA351748897.

ClinVar aggregate classification (germline): Uncertain significance (1 of 4 stars; one submission).

Conditions:
Fanconi anemia (FA). Also called: Fanconi's anemia. Identifiers: Orphanet 84, MedGen C0015625, MeSH D005199, MONDO:0019391.

Allele frequency attached by ClinVar (database versions not stated): gnomAD exomes 0.00001.
gnomAD v4.1: 5 of 1,613,900 alleles (0.00031%); highest among the groups gnomAD compares: Admixed American, 0.0083%; no homozygotes.

Submission:

Labcorp Genetics (formerly Invitae), Labcorp
Classification: Uncertain significance for Fanconi anemia. Last evaluated: 2023-01-20. Review status: criteria provided, single submitter. Criteria: Invitae Variant Classification Sherloc (09022015). Collection method: clinical testing. Allele origin: germline.
Comment: This variant has not been reported in the literature in individuals affected with FANCD2-related conditions. This variant is present in population databases (no rsID available, gnomAD 0.009%). This sequence change replaces leucine, which is neutral and non-polar, with proline, which is neutral and non-polar, at codon 1066 of the FANCD2 protein (p.Leu1066Pro). In summary, the available evidence is currently insufficient to determine the role of this variant in disease. Therefore, it has been classified as a Variant of Uncertain Significance. Advanced modeling of protein sequence and biophysical properties (such as structural, functional, and spatial information, amino acid conservation, physicochemical variation, residue mobility, and thermodynamic stability) performed at Invitae indicates that this missense variant is expected to disrupt FANCD2 protein function.